The following is an entry in ClinVar:

NM_006121.4(KRT1):c.1824C>G (p.Ser608Arg)

Gene: KRT1 (keratin 1; minus strand). Cytogenetic location: 12q13.13.
Variant type: single nucleotide variant.
Coding change: c.1824C>G on transcript NM_006121.4 (MANE Select); coding-DNA position 1824, C replaced by G.
Protein change: p.Ser608Arg; replaces serine 608 with arginine.
Molecular consequence: missense variant.
Genome position (GRCh38, 1-based): chr12:52,675,304, G>C on the plus strand (C>G on the coding strand, the complement: KRT1 is on the minus strand). VCF-style: chr12-52675304-G-C. GRCh37 (hg19) VCF-style: chr12-53069088-G-C.
Other names: short protein forms S608R.
Identifiers: ClinVar variation 2633076 (VCV002633076.3), dbSNP rs1300703349, ClinGen allele CA384957742.

ClinVar aggregate classification (germline): Uncertain significance (0 of 4 stars; one submission).

Conditions:
KRT1-related disorder. Also called: KRT1-related condition.

Allele frequency attached by ClinVar (database versions not stated): gnomAD 0.00001; TOPMed 0.00001.

Submission:

PreventionGenetics, part of Exact Sciences
Classification: Uncertain significance for KRT1-related condition. Last evaluated: 2023-12-22. Review status: no assertion criteria provided. Collection method: clinical testing. Allele origin: germline.
Comment: The KRT1 c.1824C>G variant is predicted to result in the amino acid substitution p.Ser608Arg. To our knowledge, this variant has not been reported in the literature. This variant is reported in 0.0055% of alleles in individuals of East Asian descent in gnomAD. At this time, the clinical significance of this variant is uncertain due to the absence of conclusive functional and genetic evidence.